The following is an entry in ClinVar:

ClinVar aggregate classification (germline): Uncertain significance (1 of 4 stars; one submission).

gnomAD v4.1: 41 of 1,613,870 alleles (0.0025%); highest among the groups gnomAD compares: South Asian, 0.0033%; no homozygotes.

Submission:

Labcorp Genetics (formerly Invitae), Labcorp
Classification: Uncertain significance. Last evaluated: 2024-11-14. Review status: criteria provided, single submitter. Criteria: Invitae Variant Classification Sherloc (09022015). Collection method: clinical testing. Allele origin: germline.
Comment: This sequence change replaces alanine, which is neutral and non-polar, with valine, which is neutral and non-polar, at codon 305 of the EIF2AK2 protein (p.Ala305Val). This variant is present in population databases (rs774375646, gnomAD 0.006%). This variant has not been reported in the literature in individuals affected with EIF2AK2-related conditions. An algorithm developed to predict the effect of missense changes on protein structure and function outputs the following: PolyPhen-2: "Benign". The valine amino acid residue is found in multiple mammalian species, which suggests that this missense change does not adversely affect protein function. In summary, the available evidence is currently insufficient to determine the role of this variant in disease. Therefore, it has been classified as a Variant of Uncertain Significance.

NM_001135651.3(EIF2AK2):c.914C>T (p.Ala305Val)

Gene: EIF2AK2 (eukaryotic translation initiation factor 2 alpha kinase 2; minus strand). Cytogenetic location: 2p22.2.
Variant type: single nucleotide variant.
Coding change: c.914C>T on transcript NM_001135651.3 (MANE Select); coding-DNA position 914, C replaced by T.
Protein change: p.Ala305Val; replaces alanine 305 with valine.
Molecular consequence: missense variant.
Genome position (GRCh38, 1-based): chr2:37,122,659, G>A on the plus strand (C>T on the coding strand, the complement: EIF2AK2 is on the minus strand). VCF-style: chr2-37122659-G-A. GRCh37 (hg19) VCF-style: chr2-37349802-G-A.
Other names: c.791C>T, p.Ala264Val (NM_001135652.3); c.914C>T, p.Ala305Val (NM_002759.4); short protein forms A305V, A264V.
Identifiers: ClinVar variation 3719399 (VCV003719399.2).
Genomic context (GRCh38, chr2:37,122,659, plus strand): 5'-CCATTGTAGTGAACAATATTTACATGATCAAGTTTTGCCAATGCTTTTACTTCACGCTCC[G>A]CCTTCCTAGTTAAAAGGAACAGGGAACATGGCAGTGTCAGTGTACATCCCTCATAACAAC-3'
Protein context (NP_001129123.1, residues 295-315): IKRVKYNNEK[Ala305Val]EREVKALAKL